The following is an entry in ClinVar:

ClinVar aggregate classification (germline): Uncertain significance (1 of 4 stars; one submission).

Conditions:
Early-infantile DEE. Also called: Ohtahara syndrome; Early infantile epileptic encephalopathy with suppression bursts; Early infantile epileptic encephalopathy. Identifiers: Orphanet 1934, MedGen C0393706, MONDO:0800491.

Submission:

Labcorp Genetics (formerly Invitae), Labcorp
Classification: Uncertain significance for Early-infantile DEE. Last evaluated: 2024-05-15. Review status: criteria provided, single submitter. Criteria: Invitae Variant Classification Sherloc (09022015). Collection method: clinical testing. Allele origin: germline.
Comment: This sequence change falls in intron 20 of the SCN1A gene. It does not directly change the encoded amino acid sequence of the SCN1A protein. However, this sequence change falls within a region encompassing a cryptic exon in the SCN1A gene, in which variants have been shown to alter splicing (PMID: 30526861, 34107977). This variant is not present in population databases (gnomAD no frequency). This variant has not been reported in the literature in individuals affected with SCN1A-related conditions. ClinVar contains an entry for this variant (Variation ID: 1565874). Algorithms developed to predict the effect of sequence changes on RNA splicing suggest that this variant is not likely to affect RNA splicing. In summary, the available evidence is currently insufficient to determine the role of this variant in disease. Therefore, it has been classified as a Variant of Uncertain Significance.

Literature cited by the submitters: PubMed 30526861; PubMed 34107977.

NM_001165963.4(SCN1A):c.4002+2118C>T

Genes: SCN1A (sodium voltage-gated channel alpha subunit 1; minus strand), LOC102724058 (uncharacterized LOC102724058; plus strand). Cytogenetic location: 2q24.3.
Variant type: single nucleotide variant.
Coding change: c.4002+2118C>T on transcript NM_001165963.4 (MANE Select); 2118 bases into the intron after coding-DNA position 4002, C replaced by T.
Molecular consequence: intron variant.
Genome position (GRCh38, 1-based): chr2:166,007,601, G>A on the plus strand (C>T on the coding strand, the complement: SCN1A is on the minus strand). VCF-style: chr2-166007601-G-A. GRCh37 (hg19) VCF-style: chr2-166864111-G-A.
Other names: c.3969+2118C>T (NM_001353949.2, NM_001353950.2, NM_001353951.2 and 2 more transcripts); c.3918+2118C>T (NM_001353958.2, NM_001353957.2, NM_001165964.3); c.4002+2118C>T (NM_001202435.3, NM_001353948.2); c.3966+2118C>T (NM_001353955.2, NM_001353954.2); c.3915+2118C>T (NM_001353960.2); c.1560+2118C>T (NM_001353961.2).
Identifiers: ClinVar variation 1565874 (VCV001565874.9), dbSNP rs2105549796, ClinGen allele CA2573133067.